The following is an entry in ClinVar:

NM_000719.7(CACNA1C):c.6272A>G (p.Asn2091Ser)

Genes: CACNA1C (calcium voltage-gated channel subunit alpha1 C; plus strand), CACNA1C-AS1 (CACNA1C antisense RNA 1; minus strand). Cytogenetic location: 12p13.33.
Variant type: single nucleotide variant.
Coding change: c.6272A>G on transcript NM_000719.7 (MANE Select); coding-DNA position 6272, A replaced by G.
Protein change: p.Asn2091Ser; replaces asparagine 2091 with serine.
Molecular consequence: missense variant.
Genome position (GRCh38, 1-based): chr12:2,691,054, A>G. VCF-style: chr12-2691054-A-G. GRCh37 (hg19) VCF-style: chr12-2800220-A-G.
Other names: p.Asn2091Ser; c.6521A>G (NM_199460.3); c.6329A>G, p.Asn2110Ser (NM_001129835.2, NM_001129833.2, NM_001129834.2); c.6323A>G, p.Asn2108Ser (NM_001129836.2); c.6296A>G, p.Asn2099Ser (NM_001129837.2, NM_001129838.2); c.6290A>G, p.Asn2097Ser (NM_001129839.2); c.6272A>G, p.Asn2091Ser (NM_001129840.2, NM_001129841.2, NM_001129842.2 and 2 more transcripts); c.6263A>G, p.Asn2088Ser (NM_001129844.2); and 8 more; short protein forms N2091S, N2126S, N2139S, N2080S, N2088S, N2110S, N2111S, N2174S.
Identifiers: ClinVar variation 216482 (VCV000216482.74), dbSNP rs201090446, ClinGen allele CA339207.

ClinVar aggregate classification (germline): Conflicting classifications of pathogenicity. Review status: criteria provided, conflicting classifications (1 of 4 stars). 12 submissions from 12 submitters: Uncertain significance (6); Benign (1); Likely benign (3). 2 of the submissions do not count toward it. Last evaluated 2026-01-28.

Conditions:
Cardiovascular phenotype. Identifiers: MedGen CN230736.
Timothy syndrome (TS). Also called: LONG QT SYNDROME WITH SYNDACTYLY. Identifiers: Orphanet 65283, MedGen C1832916, MeSH C536962, MONDO:0010979, OMIM 601005.
Cardiac arrhythmia. Also called: Cardiac rhythm disease; Arrhythmia. Identifiers: MedGen C0003811, MONDO:0007263, HP:0011675.
CACNA1C-related disorder. Also called: CACNA1C-related condition; CACNA1C-related disorders. Identifiers: MedGen CN381092, MONDO:0700321.
Long QT syndrome (LQTS). Identifiers: MedGen C0023976, MeSH D008133, MONDO:0002442. Disease mechanism: loss of function. Inheritance: Various modes of inheritance.

Allele frequency attached by ClinVar (database versions not stated): 1000 Genomes Project 30x 0.00016; 1000 Genomes Project 0.00020; gnomAD exomes 0.00049; ESP Exome Variant Server 0.00058; TOPMed 0.00067; gnomAD 0.00074; ExAC 0.00079.
gnomAD v4.1: 1,221 of 1,607,328 alleles (0.076%); highest among the groups gnomAD compares: Middle Eastern, 0.099%; 2 homozygotes.

Submissions (12):

Labcorp Genetics (formerly Invitae), Labcorp
Classification: Likely benign for Long QT syndrome. Last evaluated: 2026-01-28. Review status: criteria provided, single submitter. Criteria: Invitae Variant Classification Sherloc (09022015). Collection method: clinical testing. Allele origin: germline.

Mayo Clinic Laboratories, Mayo Clinic
Classification: Uncertain significance. Last evaluated: 2025-10-21. Review status: criteria provided, single submitter. Criteria: ACMG Guidelines, 2015. Collection method: clinical testing. Allele origin: germline. Observed: 2 variant alleles.
Comment: BS1, BP4_moderate, PS3_supporting

ARUP Laboratories, Molecular Genetics and Genomics, ARUP Laboratories
Classification: Uncertain significance. Last evaluated: 2025-06-25. Review status: criteria provided, single submitter. Criteria: ARUP Molecular Germline Variant Investigation Process 2024. Collection method: clinical testing. Allele origin: germline.
Comment: The CACNA1C c.6272A>G; p.Asn2091Ser variant (rs201090446, ClinVar ID: 216482) is reported in the literature in two individuals with sudden unexpected death (Bagnall 2014, Sutphin 2016) and in individuals with heart disease or cardiac arrest (Jankelson 2019, van Lint 2019). This variant is found in the general population with an overall allele frequency of 0.05% (129/263770 alleles) in the Genome Aggregation Database (v2.1.1). Computational analyses predict that this variant is neutral (REVEL: 0.139). However, functional studies of the variant protein indicate altered electrophysiological properties, including increased current density compared to wildtype protein (Sutphin 2016). Due to limited information, the clinical significance of the p.Asn2091Ser variant is uncertain at this time. References: Bagnall RD et al. Exome analysis-based molecular autopsy in cases of sudden unexplained death in the young. Heart Rhythm. 2014 Apr;11(4):655-62. PMID: 24440382. Jankelson L et al. Impact of RNA testing on cardiac variant interpretation and patient management. HeartRhythm Case Rep. 2019 May 8;5(8):402-406. PMID: 31453089. Sutphin et al. Molecular and Functional Characterization of Rare CACNA1C Variants in Sudden Unexplained Death in the Young. Congenit Heart Dis. 2016 Dec;11(6):683-692. PMID: 27218670. van Lint FHM et al. Large next-generation sequencing gene panels in genetic heart disease: yield of pathogenic variants and variants of unknown significance. Neth Heart J. 2019 Jun;27(6):304-309. PMID: 30847666.

Molecular Diagnostic Laboratory for Inherited Cardiovascular Disease, Montreal Heart Institute
Classification: Uncertain significance for Cardiovascular phenotype. Last evaluated: 2025-04-09. Review status: criteria provided, single submitter. Criteria: ACMG Guidelines, 2015. Collection method: clinical testing. Allele origin: germline. Affected: yes.

Revvity Omics, Revvity
Classification: Uncertain significance. Last evaluated: 2025-02-10. Review status: criteria provided, single submitter. Criteria: ACMG Guidelines, 2015. Collection method: clinical testing. Allele origin: germline.

Blueprint Genetics
Classification: Likely benign. Last evaluated: 2024-11-22. Review status: criteria provided, single submitter. Criteria: ACMG Guidelines, 2015. Collection method: clinical testing. Allele origin: germline.

GeneDx
Classification: Uncertain significance. Last evaluated: 2024-10-11. Review status: criteria provided, single submitter. Criteria: GeneDx Variant Classification Process June 2021. Collection method: clinical testing. Allele origin: germline. Affected: yes.
Comment: Published functional studies suggest a gain of function effect (PMID: 27218670); In silico analysis supports that this missense variant has a deleterious effect on protein structure/function; This variant is associated with the following publications: (PMID: 25633834, 24690944, 27218670, 34426522, 30172029, 31737537, 30027834, 24440382)

CeGaT Center for Human Genetics Tuebingen
Classification: Benign. Last evaluated: 2024-05-01. Review status: criteria provided, single submitter. Criteria: CeGaT Center For Human Genetics Tuebingen Variant Classification Criteria Version 2. Collection method: clinical testing. Allele origin: germline. Affected: yes. Observed: 3 variant alleles.
Comment: CACNA1C: BP4, BS1, BS2

Ambry Genetics
Classification: Likely benign for Cardiovascular phenotype. Last evaluated: 2020-12-30. Review status: criteria provided, single submitter. Criteria: Ambry Variant Classification Scheme 2023. Collection method: clinical testing. Allele origin: germline.

MVZ Martinsried, Medicover Genetics
Classification: Uncertain significance for Timothy syndrome. Last evaluated: 2017-04-06. Review status: criteria provided, single submitter. Criteria: ACMG Guidelines, 2015. Collection method: clinical testing. Allele origin: unknown. Affected: yes.

PreventionGenetics, part of Exact Sciences
Classification: Likely benign for CACNA1C-related condition. Last evaluated: 2021-10-28. Review status: no assertion criteria provided. Collection method: clinical testing. Allele origin: germline. Not counted in ClinVar's aggregate classification.
Comment: This variant is classified as likely benign based on ACMG/AMP sequence variant interpretation guidelines (Richards et al. 2015 PMID: 25741868, with internal and published modifications).

Clinical Molecular Genetics Laboratory, Johns Hopkins All Children's Hospital
Classification: Uncertain significance for Cardiac arrhythmia. Last evaluated: 2016-08-18. Review status: no assertion criteria provided. Collection method: clinical testing. Allele origin: germline. Affected: yes. Not counted in ClinVar's aggregate classification.

Literature cited by the submitters: PubMed 24440382 (cited by Mayo Clinic Laboratories, Mayo Clinic); PubMed 27218670 (cited by Mayo Clinic Laboratories, Mayo Clinic and Ambry Genetics); PubMed 30027834 (cited by Mayo Clinic Laboratories, Mayo Clinic); PubMed 30847666 (cited by Mayo Clinic Laboratories, Mayo Clinic and Ambry Genetics); PubMed 31453089 (cited by Mayo Clinic Laboratories, Mayo Clinic and Ambry Genetics); PubMed 31737537 (cited by Mayo Clinic Laboratories, Mayo Clinic); PubMed 34426522 (cited by Mayo Clinic Laboratories, Mayo Clinic); PubMed 36269083 (cited by Mayo Clinic Laboratories, Mayo Clinic); PubMed 24690944 (cited by Ambry Genetics).